The following is an entry in ClinVar:

ClinVar aggregate classification (germline): Conflicting classifications of pathogenicity. Review status: criteria provided, conflicting classifications (1 of 4 stars). 2 submissions from 2 submitters: Uncertain significance (1); Likely benign (1). Last evaluated 2025-10-26.

Allele frequency attached by ClinVar (database versions not stated): gnomAD 0.00002 and 0.00003; TOPMed 0.00002; ExAC 0.00004; gnomAD exomes 0.00004.
gnomAD v4.1: 36 of 1,611,422 alleles (0.0022%); highest among the groups gnomAD compares: East Asian, 0.016%; 2 homozygotes.

Submissions (2):

Labcorp Genetics (formerly Invitae), Labcorp
Classification: Uncertain significance. Last evaluated: 2025-10-26. Review status: criteria provided, single submitter. Criteria: Invitae Variant Classification Sherloc (09022015). Collection method: clinical testing. Allele origin: germline.
Comment: This sequence change replaces arginine, which is basic and polar, with cysteine, which is neutral and slightly polar, at codon 499 of the ASXL1 protein (p.Arg499Cys). This variant is present in population databases (rs376089258, gnomAD 0.05%). This variant has not been reported in the literature in individuals affected with ASXL1-related conditions. ClinVar contains an entry for this variant (Variation ID: 1188349). An algorithm developed to predict the effect of missense changes on protein structure and function outputs the following: PolyPhen-2: "Benign". The cysteine amino acid residue is found in multiple mammalian species, which suggests that this missense change does not adversely affect protein function. In summary, the available evidence is currently insufficient to determine the role of this variant in disease. Therefore, it has been classified as a Variant of Uncertain Significance.

GeneDx
Classification: Likely benign. Last evaluated: 2020-02-18. Review status: criteria provided, single submitter. Criteria: GeneDx Variant Classification Process June 2021. Collection method: clinical testing. Allele origin: germline. Affected: yes.

NM_015338.6(ASXL1):c.1495C>T (p.Arg499Cys)

Gene: ASXL1 (ASXL transcriptional regulator 1; plus strand). Cytogenetic location: 20q11.21.
Variant type: single nucleotide variant.
Coding change: c.1495C>T on transcript NM_015338.6 (MANE Select); coding-DNA position 1495, C replaced by T.
Protein change: p.Arg499Cys; replaces arginine 499 with cysteine.
Molecular consequence: missense variant.
Genome position (GRCh38, 1-based): chr20:32,433,693, C>T. VCF-style: chr20-32433693-C-T. GRCh37 (hg19) VCF-style: chr20-31021496-C-T.
Other names: c.1312C>T, p.Arg438Cys (NM_001363734.1); short protein forms R438C, R499C.
Identifiers: ClinVar variation 1188349 (VCV001188349.8), dbSNP rs376089258, ClinGen allele CA9808363.
Genomic context (GRCh38, chr20:32,433,693, plus strand): 5'-CCCGAATTCCCAGTTGAGTCTGTGGCTTCTCGGATCCAGGCTGAGCCAGACAACTTGGCA[C>T]GTGCCTCTGCATCTCCAGACAGAATTCCTAGCCTGCCTCAGGAAACTGTGGATCAGGAAC-3'
Protein context (NP_056153.2, residues 489-509): RIQAEPDNLA[Arg499Cys]ASASPDRIPS